The following is an entry in ClinVar:

NM_005228.5(EGFR):c.2882T>C (p.Phe961Ser)

Gene: EGFR (epidermal growth factor receptor; plus strand). Cytogenetic location: 7p11.2.
Variant type: single nucleotide variant.
Coding change: c.2882T>C on transcript NM_005228.5 (MANE Select); coding-DNA position 2882, T replaced by C.
Protein change: p.Phe961Ser; replaces phenylalanine 961 with serine.
Molecular consequence: missense variant.
Genome position (GRCh38, 1-based): chr7:55,200,349, T>C. VCF-style: chr7-55200349-T-C. GRCh37 (hg19) VCF-style: chr7-55268042-T-C.
Other names: c.2747T>C, p.Phe916Ser (NM_001346897.2, NM_001346899.2); c.2882T>C, p.Phe961Ser (NM_001346898.2); c.2723T>C, p.Phe908Ser (NM_001346900.2); c.2081T>C, p.Phe694Ser (NM_001346941.2); short protein forms F908S, F694S, F916S, F961S.
Identifiers: ClinVar variation 4016713 (VCV004016713.2).
Genomic context (GRCh38, chr7:55,200,349, plus strand): 5'-CACTGTTTTTTCTCATTCCTTCCCCAGGCTGGATGATAGACGCAGATAGTCGCCCAAAGT[T>C]CCGTGAGTTGATCATCGAATTCTCCAAAATGGCCCGAGACCCCCAGCGCTACCTTGTCAT-3'
Protein context (NP_005219.2, residues 951-971): WMIDADSRPK[Phe961Ser]RELIIEFSKM

ClinVar aggregate classification (germline): Uncertain significance. Review status: criteria provided, multiple submitters, no conflicts (2 of 4 stars). 2 submissions from 2 submitters: Uncertain significance (2). Last evaluated 2025-05-04.

Conditions:
EGFR-related lung cancer (EGFR). Identifiers: MedGen CN130014.
Hereditary cancer-predisposing syndrome. Also called: Tumor predisposition; Hereditary neoplastic syndrome; Neoplastic Syndromes, Hereditary; Hereditary Cancer Syndrome. Identifiers: Orphanet 140162, MedGen C0027672, MeSH D009386, MONDO:0015356.

Submissions (2):

Labcorp Genetics (formerly Invitae), Labcorp
Classification: Uncertain significance for EGFR-related lung cancer. Last evaluated: 2025-05-04. Review status: criteria provided, single submitter. Criteria: Invitae Variant Classification Sherloc (09022015). Collection method: clinical testing. Allele origin: germline.
Comment: This sequence change replaces phenylalanine, which is neutral and non-polar, with serine, which is neutral and polar, at codon 961 of the EGFR protein (p.Phe961Ser). This variant is not present in population databases (gnomAD no frequency). This variant has not been reported in the literature in individuals affected with EGFR-related conditions. Invitae Evidence Modeling of protein sequence and biophysical properties (such as structural, functional, and spatial information, amino acid conservation, physicochemical variation, residue mobility, and thermodynamic stability) indicates that this missense variant is expected to disrupt EGFR protein function with a positive predictive value of 80%. In summary, the available evidence is currently insufficient to determine the role of this variant in disease. Therefore, it has been classified as a Variant of Uncertain Significance.

Ambry Genetics
Classification: Uncertain significance for Hereditary cancer-predisposing syndrome. Last evaluated: 2025-03-29. Review status: criteria provided, single submitter. Criteria: Ambry Variant Classification Scheme 2023. Collection method: clinical testing. Allele origin: germline.
Comment: The p.F961S variant (also known as c.2882T>C), located in coding exon 24 of the EGFR gene, results from a T to C substitution at nucleotide position 2882. The phenylalanine at codon 961 is replaced by serine, an amino acid with highly dissimilar properties. This amino acid position is conserved. In addition, this alteration is predicted to be deleterious by in silico analysis. Based on the available evidence, the clinical significance of this variant remains unclear.